The following is an entry in ClinVar:

ClinVar aggregate classification (germline): Uncertain significance. Review status: criteria provided, multiple submitters, no conflicts (2 of 4 stars). 2 submissions from 2 submitters: Uncertain significance (2). Last evaluated 2025-08-14.

Conditions:
RTTN-related disorder. Also called: RTTN-related condition.
Inborn genetic diseases. Identifiers: MedGen C0950123, MeSH D030342.

Allele frequency attached by ClinVar (database versions not stated): gnomAD exomes 0.00001; gnomAD 0.00005; TOPMed 0.00010.
gnomAD v4.1: 16 of 1,613,544 alleles (0.00099%); highest among the groups gnomAD compares: African/African-American, 0.011%; no homozygotes.

Submissions (2):

Ambry Genetics
Classification: Uncertain significance for Inborn genetic diseases. Last evaluated: 2025-08-14. Review status: criteria provided, single submitter. Criteria: Ambry Variant Classification Scheme 2023. Collection method: clinical testing. Allele origin: germline.

PreventionGenetics, part of Exact Sciences
Classification: Uncertain significance for RTTN-related condition. Last evaluated: 2023-01-13. Review status: criteria provided, single submitter. Criteria: ACMG Guidelines, 2015. Collection method: clinical testing. Allele origin: germline.
Comment: The RTTN c.4960A>G variant is predicted to result in the amino acid substitution p.Ile1654Val. To our knowledge, this variant has not been reported in the literature. This variant is reported in 0.0083% of alleles in individuals of African descent in gnomAD. At this time, the clinical significance of this variant is uncertain due to the absence of conclusive functional and genetic evidence.

NM_173630.4(RTTN):c.4960A>G (p.Ile1654Val)

Gene: RTTN (rotatin; minus strand). Cytogenetic location: 18q22.2.
Variant type: single nucleotide variant.
Coding change: c.4960A>G on transcript NM_173630.4 (MANE Select); coding-DNA position 4960, A replaced by G.
Protein change: p.Ile1654Val; replaces isoleucine 1654 with valine.
Molecular consequence: missense variant.
Genome position (GRCh38, 1-based): chr18:70,057,813, T>C on the plus strand (A>G on the coding strand, the complement: RTTN is on the minus strand). VCF-style: chr18-70057813-T-C. GRCh37 (hg19) VCF-style: chr18-67725049-T-C.
Other names: c.2224A>G, p.Ile742Val (NM_001318520.2); short protein forms I1654V, I742V.
Identifiers: ClinVar variation 2631888 (VCV002631888.2), dbSNP rs1046609603, ClinGen allele CA301944630.